The following is an entry in ClinVar:

ClinVar aggregate classification (germline): Uncertain significance. Review status: criteria provided, multiple submitters, no conflicts (2 of 4 stars). 2 submissions from 2 submitters: Uncertain significance (2). Last evaluated 2025-07-09.

Conditions:
Inborn genetic diseases. Identifiers: MedGen C0950123, MeSH D030342.

Submissions (2):

Labcorp Genetics (formerly Invitae), Labcorp
Classification: Uncertain significance. Last evaluated: 2025-07-09. Review status: criteria provided, single submitter. Criteria: Invitae Variant Classification Sherloc (09022015). Collection method: clinical testing. Allele origin: germline.
Comment: This sequence change replaces alanine, which is neutral and non-polar, with threonine, which is neutral and polar, at codon 327 of the ZNF408 protein (p.Ala327Thr). This variant is present in population databases (rs371436935, gnomAD 0.002%). This variant has not been reported in the literature in individuals affected with ZNF408-related conditions. ClinVar contains an entry for this variant (Variation ID: 3475707). An algorithm developed to predict the effect of missense changes on protein structure and function outputs the following: PolyPhen-2: "Benign". The threonine amino acid residue is found in multiple mammalian species, which suggests that this missense change does not adversely affect protein function. In summary, the available evidence is currently insufficient to determine the role of this variant in disease. Therefore, it has been classified as a Variant of Uncertain Significance.

Ambry Genetics
Classification: Uncertain significance for Inborn genetic diseases. Last evaluated: 2024-07-02. Review status: criteria provided, single submitter. Criteria: Ambry Variant Classification Scheme 2023. Collection method: clinical testing. Allele origin: germline.

NM_024741.3(ZNF408):c.979G>A (p.Ala327Thr)

Gene: ZNF408 (zinc finger protein 408; plus strand). Cytogenetic location: 11p11.2.
Variant type: single nucleotide variant.
Coding change: c.979G>A on transcript NM_024741.3 (MANE Select); coding-DNA position 979, G replaced by A.
Protein change: p.Ala327Thr; replaces alanine 327 with threonine.
Molecular consequence: missense variant.
Genome position (GRCh38, 1-based): chr11:46,704,679, G>A. VCF-style: chr11-46704679-G-A. GRCh37 (hg19) VCF-style: chr11-46726229-G-A.
Other names: c.955G>A, p.Ala319Thr (NM_001184751.2); short protein forms A327T, A319T.
Identifiers: ClinVar variation 3475707 (VCV003475707.3).
Genomic context (GRCh38, chr11:46,704,679, plus strand): 5'-AAGAAGTTACACAGCCCCAGTGATCAGTGCCCACCCAGAGCAAAGACCCCAGAGCCTGGA[G>A]CCCAGCAGTCTGGCTTCCCTACACTCTCGCGGAGCCCTCCTGGCCCAGCAGGAAGCTCCC-3'
Protein context (NP_079017.1, residues 317-337): PPRAKTPEPG[Ala327Thr]QQSGFPTLSR